The following is an entry in ClinVar:

NM_021072.4(HCN1):c.648T>A (p.Asn216Lys)

Gene: HCN1 (hyperpolarization activated cyclic nucleotide gated potassium channel 1; minus strand). Cytogenetic location: 5p12.
Variant type: single nucleotide variant.
Coding change: c.648T>A on transcript NM_021072.4 (MANE Select); coding-DNA position 648, T replaced by A.
Protein change: p.Asn216Lys; replaces asparagine 216 with lysine.
Molecular consequence: missense variant.
Genome position (GRCh38, 1-based): chr5:45,645,386, A>T on the plus strand (T>A on the coding strand, the complement: HCN1 is on the minus strand). VCF-style: chr5-45645386-A-T. GRCh37 (hg19) VCF-style: chr5-45645488-A-T.
Other names: short protein forms N216K.
Identifiers: ClinVar variation 3635384 (VCV003635384.2).

ClinVar aggregate classification (germline): Uncertain significance (1 of 4 stars; one submission).

Conditions:
Early-infantile DEE. Also called: Early infantile epileptic encephalopathy; Ohtahara syndrome; Early infantile epileptic encephalopathy with suppression bursts. Identifiers: Orphanet 1934, MedGen C0393706, MONDO:0800491.

Submission:

Labcorp Genetics (formerly Invitae), Labcorp
Classification: Uncertain significance for Early-infantile DEE. Last evaluated: 2024-07-06. Review status: criteria provided, single submitter. Criteria: Invitae Variant Classification Sherloc (09022015). Collection method: clinical testing. Allele origin: germline.
Comment: This sequence change replaces asparagine, which is neutral and polar, with lysine, which is basic and polar, at codon 216 of the HCN1 protein (p.Asn216Lys). This variant is not present in population databases (gnomAD no frequency). This variant has not been reported in the literature in individuals affected with HCN1-related conditions. Advanced modeling of protein sequence and biophysical properties (such as structural, functional, and spatial information, amino acid conservation, physicochemical variation, residue mobility, and thermodynamic stability) performed at Invitae indicates that this missense variant is not expected to disrupt HCN1 protein function with a negative predictive value of 95%. In summary, the available evidence is currently insufficient to determine the role of this variant in disease. Therefore, it has been classified as a Variant of Uncertain Significance.